The following is an entry in ClinVar:

NM_145068.4(TRPV3):c.1504-15C>T

Gene: TRPV3 (transient receptor potential cation channel subfamily V member 3; minus strand). Cytogenetic location: 17p13.2.
Variant type: single nucleotide variant.
Coding change: c.1504-15C>T on transcript NM_145068.4 (MANE Select); 15 bases into the intron before coding-DNA position 1504, C replaced by T.
Molecular consequence: intron variant.
Genome position (GRCh38, 1-based): chr17:3,526,942, G>A on the plus strand (C>T on the coding strand, the complement: TRPV3 is on the minus strand). VCF-style: chr17-3526942-G-A. GRCh37 (hg19) VCF-style: chr17-3430236-G-A.
Other names: c.1504-15C>T (NM_001258205.2).
Identifiers: ClinVar variation 322766 (VCV000322766.9), dbSNP rs200955758, ClinGen allele CA8289413.

ClinVar aggregate classification (germline): Benign. Review status: criteria provided, multiple submitters, no conflicts (2 of 4 stars). 2 submissions from 2 submitters: Benign (2). Last evaluated 2025-01-29.

Conditions:
Isolated focal non-epidermolytic palmoplantar keratoderma. Also called: Palmoplantar keratoderma, nonepidermolytic, focal 2. Identifiers: Orphanet 448264, MedGen C4225339, MONDO:0014622, OMIM 616400.

Allele frequency attached by ClinVar (database versions not stated): gnomAD 0.00026 and 0.00028; gnomAD exomes 0.00027; TOPMed 0.00027; ExAC 0.00037; ESP Exome Variant Server 0.00046; 1000 Genomes Project 0.00060; 1000 Genomes Project 30x 0.00078.
gnomAD v4.1: 375 of 1,604,726 alleles (0.023%); highest among the groups gnomAD compares: Admixed American, 0.081%; no homozygotes.

Submissions (2):

Labcorp Genetics (formerly Invitae), Labcorp
Classification: Benign. Last evaluated: 2025-01-29. Review status: criteria provided, single submitter. Criteria: Invitae Variant Classification Sherloc (09022015). Collection method: clinical testing. Allele origin: germline.

Illumina Laboratory Services, Illumina
Classification: Benign for Isolated focal non-epidermolytic palmoplantar keratoderma. Last evaluated: 2018-01-13. Review status: criteria provided, single submitter. Criteria: ICSL Variant Classification Criteria 13 December 2019. Collection method: clinical testing. Allele origin: germline.
Comment: This variant was observed in the ICSL laboratory as part of a predisposition screen in an ostensibly healthy population. It had not been previously curated by ICSL or reported in the Human Gene Mutation Database (HGMD: prior to June 1st, 2018), and was therefore a candidate for classification through an automated scoring system. Utilizing variant allele frequency, disease prevalence and penetrance estimates, and inheritance mode, an automated score was calculated to assess if this variant is too frequent to cause the disease. Based on the score and internal cut-off values, a variant classified as benign is not then subjected to further curation. The score for this variant resulted in a classification of benign for this disease.